The following is an entry in ClinVar:

NM_203486.3(DLL3):c.187T>A (p.Cys63Ser)

Gene: DLL3 (delta like canonical Notch ligand 3; plus strand). Cytogenetic location: 19q13.2.
Variant type: single nucleotide variant.
Coding change: c.187T>A on transcript NM_203486.3 (MANE Select); coding-DNA position 187, T replaced by A.
Protein change: p.Cys63Ser; replaces cysteine 63 with serine.
Molecular consequence: missense variant.
Genome position (GRCh38, 1-based): chr19:39,499,309, T>A. VCF-style: chr19-39499309-T-A. GRCh37 (hg19) VCF-style: chr19-39989949-T-A.
Other names: c.187T>A, p.Cys63Ser (NM_016941.4); short protein forms C63S.
Identifiers: ClinVar variation 4241207 (VCV004241207.2).
Genomic context (GRCh38, chr19:39,499,309, plus strand): 5'-CCTGGGGCCCCGCGGTCCCCCTGCAGCGCCCGGCTCCCCTGCCGCCTCTTCTTCAGAGTC[T>A]GCCTGAAGCCTGGGCTCTCAGAGGAGGCCGCCGAGTCCCCGTGCGCCCTGGGCGCGGCGC-3'
Protein context (NP_982353.1, residues 53-73): RLPCRLFFRV[Cys63Ser]LKPGLSEEAA

ClinVar aggregate classification (germline): Uncertain significance. Review status: criteria provided, multiple submitters, no conflicts (2 of 4 stars). 2 submissions from 2 submitters: Uncertain significance (2). Last evaluated 2026-01-04.

Conditions:
Inborn genetic diseases. Identifiers: MedGen C0950123, MeSH D030342.

gnomAD v4.1: 6 of 1,544,920 alleles (0.00039%); highest among the groups gnomAD compares: Non-Finnish European, 0.00043%; no homozygotes.

Submissions (2):

Labcorp Genetics (formerly Invitae), Labcorp
Classification: Uncertain significance. Last evaluated: 2026-01-04. Review status: criteria provided, single submitter. Criteria: Invitae Variant Classification Sherloc (09022015). Collection method: clinical testing. Allele origin: germline.
Comment: This sequence change replaces cysteine, which is neutral and slightly polar, with serine, which is neutral and polar, at codon 63 of the DLL3 protein (p.Cys63Ser). This variant is not present in population databases (gnomAD no frequency). This variant has not been reported in the literature in individuals affected with DLL3-related conditions. ClinVar contains an entry for this variant (Variation ID: 4241207). An algorithm developed to predict the effect of missense changes on protein structure and function (PolyPhen-2) suggests that this variant is likely to be disruptive. In summary, the available evidence is currently insufficient to determine the role of this variant in disease. Therefore, it has been classified as a Variant of Uncertain Significance.

Ambry Genetics
Classification: Uncertain significance for Inborn genetic diseases. Last evaluated: 2025-08-07. Review status: criteria provided, single submitter. Criteria: Ambry Variant Classification Scheme 2023. Collection method: clinical testing. Allele origin: germline.